The following is an entry in ClinVar:

ClinVar aggregate classification (germline): Uncertain significance (1 of 4 stars; one submission).

gnomAD v4.1: 57 of 1,614,070 alleles (0.0035%); highest among the groups gnomAD compares: South Asian, 0.0077%; no homozygotes.

Submission:

Mayo Clinic Laboratories, Mayo Clinic
Classification: Uncertain significance. Last evaluated: 2025-10-21. Review status: criteria provided, single submitter. Criteria: ACMG Guidelines, 2015. Collection method: clinical testing. Allele origin: germline. Observed: 1 variant allele.
Comment: BP4_moderate

NM_001375834.1(WIPF1):c.610C>T (p.Pro204Ser)

Gene: WIPF1 (WAS/WASL interacting protein family member 1; minus strand). Cytogenetic location: 2q31.1.
Variant type: single nucleotide variant.
Coding change: c.610C>T on transcript NM_001375834.1 (MANE Select); coding-DNA position 610, C replaced by T.
Protein change: p.Pro204Ser; replaces proline 204 with serine.
Molecular consequence: missense variant.
Genome position (GRCh38, 1-based): chr2:174,572,195, G>A on the plus strand (C>T on the coding strand, the complement: WIPF1 is on the minus strand). VCF-style: chr2-174572195-G-A. GRCh37 (hg19) VCF-style: chr2-175436923-G-A.
Other names: p.Pro204Ser; c.610C>T, p.Pro204Ser (NM_001077269.1, NM_001375832.1, NM_001375833.1 and 5 more transcripts); c.232C>T, p.Pro78Ser (NM_001375839.1); short protein forms P204S, P78S.
Identifiers: ClinVar variation 4540695 (VCV004540695.1).